The following is an entry in ClinVar:

ClinVar aggregate classification (germline): Pathogenic (1 of 4 stars; one submission).

Submission:

Labcorp Genetics (formerly Invitae), Labcorp
Classification: Pathogenic. Last evaluated: 2024-01-03. Review status: criteria provided, single submitter. Criteria: Invitae Variant Classification Sherloc (09022015). Collection method: clinical testing. Allele origin: germline.
Comment: This sequence change creates a premature translational stop signal (p.Leu92Phefs*19) in the C17orf62 gene. It is expected to result in an absent or disrupted protein product. Loss-of-function variants in C17orf62 are known to be pathogenic (PMID: 28351984, 30361506). This variant is not present in population databases (gnomAD no frequency). This variant has not been reported in the literature in individuals affected with C17orf62-related conditions. For these reasons, this variant has been classified as Pathogenic.

Literature cited by the submitters: PubMed 28351984; PubMed 30361506.

NM_001033046.4(CYBC1):c.273del (p.Leu92fs)

Gene: CYBC1 (cytochrome b-245 chaperone 1; minus strand). Cytogenetic location: 17q25.3.
Variant type: Deletion.
Coding change: c.273del on transcript NM_001033046.4 (MANE Select); coding-DNA position 273, one base deleted (T; older notation c.273delT).
Protein change: p.Leu92fs; shifts the reading frame from leucine 92.
Molecular consequence: frameshift variant. On other transcripts: non-coding transcript variant (4).
Genome position (GRCh38, 1-based): chr17:82,445,889, A deleted on the plus strand (T on the coding strand, the reverse complement: CYBC1 is on the minus strand). VCF-style (leftmost placement, unchanged base first): chr17-82445888-GA-G. GRCh37 (hg19) VCF-style: chr17-80403764-GA-G.
Other names: c.273del, p.Leu92fs (NM_001100407.3, NM_001193653.2, NM_001193654.2 and 2 more transcripts); c.231del, p.Leu78fs (NM_001100408.3); short protein forms L78fs, L92fs.
Identifiers: ClinVar variation 2800887 (VCV002800887.3), dbSNP rs2510057012, ClinGen allele CA2739268517.